The following is an entry in ClinVar:

ClinVar aggregate classification (germline): Benign/Likely benign. Review status: criteria provided, multiple submitters, no conflicts (2 of 4 stars). 12 submissions from 12 submitters: Benign (6); Likely benign (1). 5 of the submissions do not count toward it. Last evaluated 2026-02-04.

Conditions:
Autosomal recessive ataxia due to ubiquinone deficiency. Also called: Coenzyme Q10 deficiency, primary, 4; SPINOCEREBELLAR ATAXIA, AUTOSOMAL RECESSIVE 9. Identifiers: Orphanet 139485, MedGen C2677589, MONDO:0012784, OMIM 612016.

Allele frequency attached by ClinVar (database versions not stated): 1000 Genomes Project 0.23862; 1000 Genomes Project 30x 0.24297; TOPMed 0.34171; ESP Exome Variant Server 0.37367.
gnomAD v4.1: 667,849 of 1,613,148 alleles (41%); highest among the groups gnomAD compares: Non-Finnish European, 46%; 146,010 homozygotes.

Submissions (12):

Labcorp Genetics (formerly Invitae), Labcorp
Classification: Benign. Last evaluated: 2026-02-04. Review status: criteria provided, single submitter. Criteria: Invitae Variant Classification Sherloc (09022015). Collection method: clinical testing. Allele origin: germline.

Blueprint Genetics
Classification: Likely benign. Last evaluated: 2024-11-26. Review status: criteria provided, single submitter. Criteria: ACMG Guidelines, 2015. Collection method: clinical testing. Allele origin: germline.

Genome-Nilou Lab
Classification: Benign for Autosomal recessive ataxia due to ubiquinone deficiency. Last evaluated: 2021-07-14. Review status: criteria provided, single submitter. Criteria: ACMG Guidelines, 2015. Collection method: clinical testing. Allele origin: germline. Affected: no.

Illumina Laboratory Services, Illumina
Classification: Benign for Autosomal recessive ataxia due to ubiquinone deficiency. Last evaluated: 2018-01-13. Review status: criteria provided, single submitter. Criteria: ICSL Variant Classification Criteria 13 December 2019. Collection method: clinical testing. Allele origin: germline.
Comment: This variant was observed in the ICSL laboratory as part of a predisposition screen in an ostensibly healthy population. It had not been previously curated by ICSL or reported in the Human Gene Mutation Database (HGMD: prior to June 1st, 2018), and was therefore a candidate for classification through an automated scoring system. Utilizing variant allele frequency, disease prevalence and penetrance estimates, and inheritance mode, an automated score was calculated to assess if this variant is too frequent to cause the disease. Based on the score and internal cut-off values, a variant classified as benign is not then subjected to further curation. The score for this variant resulted in a classification of benign for this disease.

Clinical Genetics DNA and cytogenetics Diagnostics Lab, Erasmus MC, Erasmus Medical Center
Classification: Benign for Autosomal recessive ataxia due to ubiquinone deficiency. Last evaluated: 2015-09-21. Review status: criteria provided, single submitter. Criteria: ACGS Guidelines, 2013. Collection method: clinical testing. Allele origin: germline. Affected: yes. Study: VKGL Data-share Consensus.

GeneDx
Classification: Benign. Last evaluated: 2015-03-03. Review status: criteria provided, single submitter. Criteria: GeneDx Variant Classification Process June 2021. Collection method: clinical testing. Allele origin: germline. Affected: yes.

Breakthrough Genomics
Classification: Benign. Review status: criteria provided, single submitter. Criteria: ACMG Guidelines, 2015. Collection method: not provided. Allele origin: germline. Inheritance: Autosomal recessive inheritance. Affected: yes.

Mayo Clinic Laboratories, Mayo Clinic
Classification: Benign. Last evaluated: 2016-02-11. Review status: no assertion criteria provided. Collection method: clinical testing. Allele origin: unknown. Not counted in ClinVar's aggregate classification.

Clinical Genetics, Academic Medical Center
Classification: Benign. Review status: no assertion criteria provided. Collection method: clinical testing. Allele origin: germline. Affected: yes. Study: VKGL Data-share Consensus. Not counted in ClinVar's aggregate classification.

Diagnostic Laboratory, Department of Genetics, University Medical Center Groningen
Classification: Benign for Autosomal recessive ataxia due to ubiquinone deficiency. Review status: no assertion criteria provided. Collection method: clinical testing. Allele origin: germline. Affected: yes. Study: VKGL Data-share Consensus. Not counted in ClinVar's aggregate classification.

Genetic Services Laboratory, University of Chicago
Classification: Likely benign for AllHighlyPenetrant. Review status: no assertion criteria provided. Collection method: clinical testing. Allele origin: germline. Inheritance: Autosomal recessive inheritance. Not counted in ClinVar's aggregate classification.
Comment: Likely benign based on allele frequency in 1000 Genomes Project or ESP global frequency and its presence in a patient with a rare or unrelated disease phenotype. NOT Sanger confirmed.

Joint Genome Diagnostic Labs from Nijmegen and Maastricht, Radboudumc and MUMC+
Classification: Benign. Review status: no assertion criteria provided. Collection method: clinical testing. Allele origin: germline. Affected: yes. Study: VKGL Data-share Consensus. Not counted in ClinVar's aggregate classification.

NM_020247.5(COQ8A):c.1440C>T (p.Phe480=)

Gene: COQ8A (coenzyme Q8A; plus strand). Cytogenetic location: 1q42.13.
Variant type: single nucleotide variant.
Coding change: c.1440C>T on transcript NM_020247.5 (MANE Select); coding-DNA position 1440, C replaced by T.
Protein change: p.Phe480=; no amino-acid change (phenylalanine 480 retained).
Molecular consequence: synonymous variant.
Genome position (GRCh38, 1-based): chr1:226,984,589, C>T. VCF-style: chr1-226984589-C-T. GRCh37 (hg19) VCF-style: chr1-227172290-C-T.
Identifiers: ClinVar variation 128274 (VCV000128274.32), dbSNP rs12593, ClinGen allele CA151597.